The following is an entry in ClinVar:

NM_001845.6(COL4A1):c.1759C>T (p.Pro587Ser)

Gene: COL4A1 (collagen type IV alpha 1 chain; minus strand). Cytogenetic location: 13q34.
Variant type: single nucleotide variant.
Coding change: c.1759C>T on transcript NM_001845.6 (MANE Select); coding-DNA position 1759, C replaced by T.
Protein change: p.Pro587Ser; replaces proline 587 with serine.
Molecular consequence: missense variant.
Genome position (GRCh38, 1-based): chr13:110,186,523, G>A on the plus strand (C>T on the coding strand, the complement: COL4A1 is on the minus strand). VCF-style: chr13-110186523-G-A. GRCh37 (hg19) VCF-style: chr13-110838870-G-A.
Other names: short protein forms P587S.
Identifiers: ClinVar variation 2803276 (VCV002803276.4), dbSNP rs1258641245, ClinGen allele CA388722777.

ClinVar aggregate classification (germline): Uncertain significance. Review status: criteria provided, multiple submitters, no conflicts (2 of 4 stars). 2 submissions from 2 submitters: Uncertain significance (2). Last evaluated 2025-10-27.

Submissions (2):

Labcorp Genetics (formerly Invitae), Labcorp
Classification: Uncertain significance. Last evaluated: 2025-10-27. Review status: criteria provided, single submitter. Criteria: Invitae Variant Classification Sherloc (09022015). Collection method: clinical testing. Allele origin: germline.
Comment: This sequence change replaces proline, which is neutral and non-polar, with serine, which is neutral and polar, at codon 587 of the COL4A1 protein (p.Pro587Ser). This variant is not present in population databases (gnomAD no frequency). This variant has not been reported in the literature in individuals affected with COL4A1-related conditions. ClinVar contains an entry for this variant (Variation ID: 2803276). Invitae Evidence Modeling of protein sequence and biophysical properties (such as structural, functional, and spatial information, amino acid conservation, physicochemical variation, residue mobility, and thermodynamic stability) indicates that this missense variant is not expected to disrupt COL4A1 protein function with a negative predictive value of 95%. In summary, the available evidence is currently insufficient to determine the role of this variant in disease. Therefore, it has been classified as a Variant of Uncertain Significance.

Revvity Omics, Revvity
Classification: Uncertain significance. Last evaluated: 2024-04-29. Review status: criteria provided, single submitter. Criteria: ACMG Guidelines, 2015. Collection method: clinical testing. Allele origin: germline.